The following is an entry in ClinVar:

ClinVar aggregate classification (germline): Pathogenic (1 of 4 stars; one submission).

Conditions:
Creatine transporter deficiency (CCDS1). Also called: Creatine Transporter (CRTR) Deficiency; Mental retardation , X-linked with seizures, short stature and midface hypoplasia; Mental retardation , X-linked, with creatine transport deficiency; X-linked creatine transporter deficiency; X-linked creatine deficiency syndrome; SLC6A8-Related Creatine Transporter Deficiency. Identifiers: Orphanet 52503, MedGen C1845862, MONDO:0010305, OMIM 300352.

Submission:

Labcorp Genetics (formerly Invitae), Labcorp
Classification: Pathogenic for Creatine transporter deficiency. Last evaluated: 2023-01-10. Review status: criteria provided, single submitter. Criteria: Invitae Variant Classification Sherloc (09022015). Collection method: clinical testing. Allele origin: germline.
Comment: This variant is not present in population databases (gnomAD no frequency). For these reasons, this variant has been classified as Pathogenic. This variant has not been reported in the literature in individuals affected with SLC6A8-related conditions. This sequence change creates a premature translational stop signal (p.Leu324Argfs*142) in the SLC6A8 gene. It is expected to result in an absent or disrupted protein product. Loss-of-function variants in SLC6A8 are known to be pathogenic (PMID: 22281021).

Literature cited by the submitters: PubMed 22281021.

NM_005629.4(SLC6A8):c.967_970dup (p.Leu324fs)

Gene: SLC6A8 (solute carrier family 6 member 8; plus strand). Cytogenetic location: Xq28.
Variant type: Duplication.
Coding change: c.967_970dup on transcript NM_005629.4 (MANE Select); coding-DNA positions 967 to 970, 4 bases duplicated (GCCC; older notation c.967_970dupGCCC).
Protein change: p.Leu324fs; shifts the reading frame from leucine 324.
Molecular consequence: frameshift variant.
Genome position (GRCh38, 1-based): chrX:153,693,317-153,693,320, GCCC duplicated. VCF-style (leftmost placement, unchanged base first): chrX-153693316-G-GGCCC. GRCh37 (hg19) VCF-style: chrX-152958771-G-GGCCC.
Other names: c.967_970dup, p.Leu324fs (NM_001142805.2); c.622_625dup, p.Leu209fs (NM_001142806.1); short protein forms L324fs, L209fs.
Identifiers: ClinVar variation 2095037 (VCV002095037.4), dbSNP rs2522162742, ClinGen allele CA2580101699.